The following is an entry in ClinVar:

ClinVar aggregate classification (germline): Uncertain significance. Review status: criteria provided, multiple submitters, no conflicts (2 of 4 stars). 2 submissions from 2 submitters: Uncertain significance (2). Last evaluated 2024-10-23.

Conditions:
Aortic valve disease 2 (AOVD2). Identifiers: MedGen C3542024, MONDO:0013902, OMIM 614823.

Allele frequency attached by ClinVar (database versions not stated): gnomAD exomes below 0.00001.

Submissions (2):

Labcorp Genetics (formerly Invitae), Labcorp
Classification: Uncertain significance for Aortic valve disease 2. Last evaluated: 2024-10-23. Review status: criteria provided, single submitter. Criteria: Invitae Variant Classification Sherloc (09022015). Collection method: clinical testing. Allele origin: germline.
Comment: This sequence change results in a frameshift in the SMAD6 gene (p.Ala353Trpfs*187). While this is not anticipated to result in nonsense mediated decay, it is expected to disrupt the last 144 amino acid(s) of the SMAD6 protein and extend the protein by 42 additional amino acid residues. This variant is not present in population databases (gnomAD no frequency). This frameshift has been observed in individual(s) with craniosynostosis (PMID: 27606499). ClinVar contains an entry for this variant (Variation ID: 1210484). Experimental studies and prediction algorithms are not available or were not evaluated, and the functional significance of this variant is currently unknown. In summary, the available evidence is currently insufficient to determine the role of this variant in disease. Therefore, it has been classified as a Variant of Uncertain Significance.

GeneDx
Classification: Uncertain significance. Last evaluated: 2019-03-21. Review status: criteria provided, single submitter. Criteria: GeneDx Variant Classification Process June 2021. Collection method: clinical testing. Allele origin: germline. Affected: yes.
Comment: Identified in a family with craniosynostosis. Affected members of the family carried a common risk allele in BMP2 (Timberlake et al., 2016); Frameshift variant resulting in protein extension where the last 144 amino acids are lost and replaced with 186 incorrect amino acids; Not observed in large population cohorts (Lek et al., 2016); This variant is associated with the following publications: (PMID: 27606499)

Literature cited by the submitters: PubMed 27606499 (cited by Labcorp Genetics (formerly Invitae), Labcorp).

NM_005585.5(SMAD6):c.1055_1056insAT (p.Ala353fs)

Gene: SMAD6 (SMAD family member 6; plus strand). Cytogenetic location: 15q22.31.
Variant type: Insertion.
Coding change: c.1055_1056insAT on transcript NM_005585.5 (MANE Select); coding-DNA positions 1055 to 1056, AT inserted.
Protein change: p.Ala353fs; shifts the reading frame from alanine 353.
Molecular consequence: frameshift variant. On other transcripts: non-coding transcript variant (1).
Genome position: GRCh38 VCF-style: chr15-66781099-A-AAT. GRCh37 (hg19) VCF-style: chr15-67073437-A-AAT.
Other names: short protein forms A353fs.
Identifiers: ClinVar variation 1210484 (VCV001210484.6), dbSNP rs2140681355, ClinGen allele CA2499223049.